The following is an entry in ClinVar:

NM_005559.4(LAMA1):c.2823G>C (p.Gly941=)

Gene: LAMA1 (laminin subunit alpha 1; minus strand). Cytogenetic location: 18p11.31.
Variant type: single nucleotide variant.
Coding change: c.2823G>C on transcript NM_005559.4 (MANE Select); coding-DNA position 2823, G replaced by C.
Protein change: p.Gly941=; no amino-acid change (glycine 941 retained).
Molecular consequence: synonymous variant.
Genome position (GRCh38, 1-based): chr18:7,016,657, C>G on the plus strand (G>C on the coding strand, the complement: LAMA1 is on the minus strand). VCF-style: chr18-7016657-C-G. GRCh37 (hg19) VCF-style: chr18-7016656-C-G.
Identifiers: ClinVar variation 4822041 (VCV004822041.4).
Genomic context (GRCh38, chr18:7,016,657, plus strand): 5'-ATCTGACACGGAGCCTGCCACGCTGCAGTTGCAGGGCCGGCAGCCATGGCCTGAGTCCAG[C>G]CCATAATAGCCATGCTGTTTCACCAAAGGGGGAGAAAGTGGAAACCAACATACGTTTTAA-3'
Protein context (NP_005550.2, residues 931-951): QCDQCLHGYY[Gly941=]LDSGHGCRPC

ClinVar aggregate classification (germline): Likely benign (1 of 4 stars; one submission).

gnomAD v4.1: 30 of 1,612,948 alleles (0.0019%); highest among the groups gnomAD compares: Non-Finnish European, 0.0024%; no homozygotes.

Submission:

CeGaT Center for Human Genetics Tuebingen
Classification: Likely benign. Last evaluated: 2026-01-01. Review status: criteria provided, single submitter. Criteria: CeGaT Center For Human Genetics Tuebingen Variant Classification Criteria Version 2. Collection method: clinical testing. Allele origin: germline. Affected: yes. Observed: 1 variant allele.
Comment: LAMA1: BP4, BP7